The following is an entry in ClinVar:

ClinVar aggregate classification (germline): Likely pathogenic (1 of 4 stars; one submission).

Conditions:
Alexander disease (ALXDRD). Also called: Alexander's disease. Identifiers: Orphanet 58, MedGen C0270726, MONDO:0008752, OMIM 203450.

Submission:

Victorian Clinical Genetics Services, Murdoch Childrens Research Institute
Classification: Likely pathogenic for Alexander disease. Last evaluated: 2025-09-17. Review status: criteria provided, single submitter. Criteria: ACMG Guidelines, 2015. Collection method: clinical testing. Allele origin: germline. Affected: yes.
Comment: This variant is classified as Likely pathogenic. Evidence in support of pathogenic classification: Variant is absent from gnomAD (v2, v3 and v4); This variant has limited previous evidence of pathogenicity in an unrelated individual(s). This variant has been reported in an individual with adult onset Alexander disease (PMID: 31744992); Another missense variant comparable to the one identified in this case has limited previous evidence for pathogenicity. p.(Ala358Val) has been reported in a de novo individual (parentage not confirmed) with infantile onset Alexander disease (PMID: 17110673); Missense variant predicted to be damaging by in silico tool(s) or highly conserved with a major amino acid change. Additional information: Variant is predicted to result in a missense amino acid change from Ala to Thr; This variant is heterozygous; This gene is associated with autosomal dominant disease; No published evidence of segregation with disease has been identified for this variant; No published functional evidence has been identified for this variant; Variant is located in the annotated filament coiled-coil domain (DECIPHER); Dominant negative and gain of function are suggested as mechanisms of disease in this gene and are associated with Alexander disease (MIM#203450). Functional studies have demonstrated both dominant negative and gain of function are possible mechanisms of disease, however, the latter is the most widely accepted mechanism (OMIM, PMID: 11138011, 30355500, 31484723); Variants in this gene are known to have variable expressivity (PMID: 20301351).

Literature cited by the submitters: PubMed 11138011; PubMed 17110673; PubMed 31484723; PubMed 20301351; PubMed 30355500.

NM_002055.5(GFAP):c.1072G>A (p.Ala358Thr)

Genes: GFAP (glial fibrillary acidic protein; minus strand), LOC130060994 (ATAC-STARR-seq lymphoblastoid active region 12266; plus strand). Cytogenetic location: 17q21.31.
Variant type: single nucleotide variant.
Coding change: c.1072G>A on transcript NM_002055.5 (MANE Select); coding-DNA position 1072, G replaced by A.
Protein change: p.Ala358Thr; replaces alanine 358 with threonine.
Molecular consequence: missense variant.
Genome position (GRCh38, 1-based): chr17:44,911,291, C>T on the plus strand (G>A on the coding strand, the complement: GFAP is on the minus strand). VCF-style: chr17-44911291-C-T. GRCh37 (hg19) VCF-style: chr17-42988659-C-T.
Other names: c.1072G>A, p.Ala358Thr (NM_001242376.3, NM_001363846.2, NM_001131019.3); short protein forms A358T.
Identifiers: ClinVar variation 4531659 (VCV004531659.1).